The following is an entry in ClinVar:

NM_001457.4(FLNB):c.1201A>C (p.Thr401Pro)

Gene: FLNB (filamin B; plus strand). Cytogenetic location: 3p14.3.
Variant type: single nucleotide variant.
Coding change: c.1201A>C on transcript NM_001457.4 (MANE Select); coding-DNA position 1201, A replaced by C.
Protein change: p.Thr401Pro; replaces threonine 401 with proline.
Molecular consequence: missense variant.
Genome position (GRCh38, 1-based): chr3:58,098,764, A>C. VCF-style: chr3-58098764-A-C. GRCh37 (hg19) VCF-style: chr3-58084491-A-C.
Other names: c.1201A>C, p.Thr401Pro (NM_001164317.2, NM_001164318.2, NM_001164319.2); short protein forms T401P.
Identifiers: ClinVar variation 2704346 (VCV002704346.3), dbSNP rs2097243740, ClinGen allele CA353336848.

ClinVar aggregate classification (germline): Uncertain significance (1 of 4 stars; one submission).

Submission:

Labcorp Genetics (formerly Invitae), Labcorp
Classification: Uncertain significance. Last evaluated: 2023-12-19. Review status: criteria provided, single submitter. Criteria: Invitae Variant Classification Sherloc (09022015). Collection method: clinical testing. Allele origin: germline.
Comment: This sequence change replaces threonine, which is neutral and polar, with proline, which is neutral and non-polar, at codon 401 of the FLNB protein (p.Thr401Pro). This variant is not present in population databases (gnomAD no frequency). This variant has not been reported in the literature in individuals affected with FLNB-related conditions. Advanced modeling of protein sequence and biophysical properties (such as structural, functional, and spatial information, amino acid conservation, physicochemical variation, residue mobility, and thermodynamic stability) performed at Invitae indicates that this missense variant is not expected to disrupt FLNB protein function with a negative predictive value of 95%. In summary, the available evidence is currently insufficient to determine the role of this variant in disease. Therefore, it has been classified as a Variant of Uncertain Significance.